The following is an entry in ClinVar:

ClinVar aggregate classification (germline): Uncertain significance (1 of 4 stars; one submission).

Conditions:
Congenital muscular hypertrophy-cerebral syndrome (CDLS2). Also called: Cornelia de Lange syndrome 2; SMC1A-Related Cornelia de Lange Syndrome. Identifiers: Orphanet 199, MedGen C1802395, MONDO:0010370, OMIM 300590.

Allele frequency attached by ClinVar (database versions not stated): ExAC 0.00001; gnomAD 0.00001; gnomAD exomes 0.00001; TOPMed 0.00001.
gnomAD v4.1: 12 of 1,204,296 alleles (0.001%); highest among the groups gnomAD compares: African/African-American, 0.0018%; no homozygotes.

Submission:

Labcorp Genetics (formerly Invitae), Labcorp
Classification: Uncertain significance for Congenital muscular hypertrophy-cerebral syndrome. Last evaluated: 2024-10-30. Review status: criteria provided, single submitter. Criteria: Invitae Variant Classification Sherloc (09022015). Collection method: clinical testing. Allele origin: germline.
Comment: This sequence change replaces valine, which is neutral and non-polar, with isoleucine, which is neutral and non-polar, at codon 1154 of the SMC1A protein (p.Val1154Ile). The frequency data for this variant in the population databases is considered unreliable, as metrics indicate poor data quality at this position in the gnomAD database. This variant has not been reported in the literature in individuals affected with SMC1A-related conditions. ClinVar contains an entry for this variant (Variation ID: 854862). Invitae Evidence Modeling of protein sequence and biophysical properties (such as structural, functional, and spatial information, amino acid conservation, physicochemical variation, residue mobility, and thermodynamic stability) indicates that this missense variant is not expected to disrupt SMC1A protein function with a negative predictive value of 80%. This variant disrupts the p.Val1154 amino acid residue in SMC1A. Other variant(s) that disrupt this residue have been determined to be pathogenic (internal data). This suggests that this residue is clinically significant, and that variants that disrupt this residue are likely to be disease-causing. In summary, the available evidence is currently insufficient to determine the role of this variant in disease. Therefore, it has been classified as a Variant of Uncertain Significance.

NM_006306.4(SMC1A):c.3460G>A (p.Val1154Ile)

Gene: SMC1A (structural maintenance of chromosomes 1A; minus strand). Cytogenetic location: Xp11.22.
Variant type: single nucleotide variant.
Coding change: c.3460G>A on transcript NM_006306.4 (MANE Select); coding-DNA position 3460, G replaced by A.
Protein change: p.Val1154Ile; replaces valine 1154 with isoleucine.
Molecular consequence: missense variant.
Genome position (GRCh38, 1-based): chrX:53,381,065, C>T on the plus strand (G>A on the coding strand, the complement: SMC1A is on the minus strand). VCF-style: chrX-53381065-C-T. GRCh37 (hg19) VCF-style: chrX-53407986-C-T.
Other names: c.3394G>A, p.Val1132Ile (NM_001281463.1); short protein forms V1154I, V1132I.
Identifiers: ClinVar variation 854862 (VCV000854862.7), dbSNP rs782084021, ClinGen allele CA10420277.